The following is an entry in ClinVar:

NM_000159.4(GCDH):c.1031C>T (p.Thr344Ile)

Gene: GCDH (glutaryl-CoA dehydrogenase; plus strand). Cytogenetic location: 19p13.13.
Variant type: single nucleotide variant.
Coding change: c.1031C>T on transcript NM_000159.4 (MANE Select); coding-DNA position 1031, C replaced by T.
Protein change: p.Thr344Ile; replaces threonine 344 with isoleucine.
Molecular consequence: missense variant. On other transcripts: non-coding transcript variant (2).
Genome position (GRCh38, 1-based): chr19:12,897,377, C>T. VCF-style: chr19-12897377-C-T. GRCh37 (hg19) VCF-style: chr19-13008191-C-T.
Other names: c.1031C>T (NM_000159.3); c.1031C>T, p.Thr344Ile (NM_013976.5); short protein forms T344I.
Identifiers: ClinVar variation 221907 (VCV000221907.9), dbSNP rs869025299, ClinGen allele CA351605.
Genomic context (GRCh38, chr19:12,897,377, plus strand): 5'-TCCCACTGGCCAGGAACCAGCTGATTCAGAAGAAGCTGGCAGACATGCTCACTGAGATTA[C>T]CCTGGGCCTTCACGCCTGCCTGCAGCTCGGCCGCTTGAAGGACCAGGACAAGTAGGGGCT-3'
Protein context (NP_000150.1, residues 334-354): KKLADMLTEI[Thr344Ile]LGLHACLQLG

ClinVar aggregate classification (germline): Pathogenic/Likely pathogenic. Review status: criteria provided, multiple submitters, no conflicts (2 of 4 stars). 4 submissions from 4 submitters: Pathogenic (1); Likely pathogenic (2). 1 of the submissions does not count toward it. Last evaluated 2025-10-30.

Conditions:
Glutaric aciduria, type 1. Also called: Glutaryl-CoA dehydrogenase deficiency; Glutaric acidemia type I; Glutaricacidemia Type 1; GA I; Glutaricaciduria, type I; Glutaric Acidemia Type 1. Identifiers: Orphanet 25, MedGen C0268595, MONDO:0009281, OMIM 231670.

Allele frequency attached by ClinVar (database versions not stated): TOPMed 0.00001.

Submissions (4):

Natera, Inc.
Classification: Likely pathogenic for Glutaric acidemia type 1. Last evaluated: 2025-10-30. Review status: criteria provided, single submitter. Criteria: Natera Variant Classification Schema (03/2026). Collection method: clinical testing. Allele origin: germline.
Comment: The c.1031C>T variant in GCDH is a missense variant predicted to cause substitution of threonine to isoleucine at amino acid 344. This variant is rare in the general population with a frequency below the threshold expected for the associated phenotype(s). This variant has been observed in one or more individuals affected with the associated recessive disease, as either homozygous or compound heterozygous with a second variant (PMID: 35367405, 34504725). This variant has been identified in one or more affected individual with a phenotype highly consistent with the associated gene (PMID: 35367405). Computational prediction algorithms indicate this variant is likely to affect gene or protein function. Given the available evidence, this variant is classified as Likely Pathogenic.

Fulgent Genetics
Classification: Likely pathogenic for Glutaric aciduria, type 1. Last evaluated: 2024-03-23. Review status: criteria provided, single submitter. Criteria: ACMG Guidelines, 2015. Collection method: clinical testing. Allele origin: germline.

Labcorp Genetics (formerly Invitae), Labcorp
Classification: Pathogenic for Glutaric aciduria, type 1. Last evaluated: 2023-12-12. Review status: criteria provided, single submitter. Criteria: Invitae Variant Classification Sherloc (09022015). Collection method: clinical testing. Allele origin: germline.
Comment: This sequence change replaces threonine, which is neutral and polar, with isoleucine, which is neutral and non-polar, at codon 344 of the GCDH protein (p.Thr344Ile). This variant is not present in population databases (gnomAD no frequency). This missense change has been observed in individual(s) with GCDH-related conditions (PMID: 34504725). ClinVar contains an entry for this variant (Variation ID: 221907). Advanced modeling of protein sequence and biophysical properties (such as structural, functional, and spatial information, amino acid conservation, physicochemical variation, residue mobility, and thermodynamic stability) performed at Invitae indicates that this missense variant is not expected to disrupt GCDH protein function with a negative predictive value of 80%. For these reasons, this variant has been classified as Pathogenic.

National Institute of Mental Health and Neurosciences
Classification: Likely pathogenic for Glutaric aciduria, type 1. Last evaluated: 2015-11-30. Review status: no assertion criteria provided. Collection method: research. Allele origin: germline. Affected: yes. Observed: 1 variant allele, 1 homozygote. Not counted in ClinVar's aggregate classification.

Literature cited by the submitters: PubMed 35367405 (cited by Natera, Inc.); PubMed 34504725 (cited by Natera, Inc. and Labcorp Genetics (formerly Invitae), Labcorp).